The following is an entry in ClinVar:

ClinVar aggregate classification (germline): Uncertain significance (1 of 4 stars; one submission).

Submission:

Labcorp Genetics (formerly Invitae), Labcorp
Classification: Uncertain significance. Last evaluated: 2022-08-23. Review status: criteria provided, single submitter. Criteria: Invitae Variant Classification Sherloc (09022015). Collection method: clinical testing. Allele origin: germline.
Comment: Algorithms developed to predict the effect of missense changes on protein structure and function are either unavailable or do not agree on the potential impact of this missense change (SIFT: "Deleterious"; PolyPhen-2: "Probably Damaging"; Align-GVGD: "Class C0"). This missense change has been observed in individual(s) with clinical features of autosomal dominant Waardenburg syndrome (Invitae). This variant is not present in population databases (gnomAD no frequency). This sequence change replaces serine, which is neutral and polar, with isoleucine, which is neutral and non-polar, at codon 362 of the EDNRB protein (p.Ser362Ile). This variant also falls at the last nucleotide of exon 6, which is part of the consensus splice site for this exon. In summary, the available evidence is currently insufficient to determine the role of this variant in disease. Therefore, it has been classified as a Variant of Uncertain Significance. Variants that disrupt the consensus splice site are a relatively common cause of aberrant splicing (PMID: 17576681, 9536098). Algorithms developed to predict the effect of sequence changes on RNA splicing suggest that this variant may disrupt the consensus splice site.

Literature cited by the submitters: PubMed 17576681; PubMed 9536098.

NM_001122659.3(EDNRB):c.1085G>T (p.Ser362Ile)

Genes: EDNRB (endothelin receptor type B; minus strand), EDNRB-AS1 (EDNRB antisense RNA 1; plus strand). Cytogenetic location: 13q22.3.
Variant type: single nucleotide variant.
Coding change: c.1085G>T on transcript NM_001122659.3 (MANE Select); coding-DNA position 1085, G replaced by T.
Protein change: p.Ser362Ile; replaces serine 362 with isoleucine.
Molecular consequence: missense variant.
Genome position (GRCh38, 1-based): chr13:77,900,521, C>A on the plus strand (G>T on the coding strand, the complement: EDNRB is on the minus strand). VCF-style: chr13-77900521-C-A. GRCh37 (hg19) VCF-style: chr13-78474656-C-A.
Other names: c.1085G>T, p.Ser362Ile (NM_000115.5, NM_003991.4); c.1355G>T, p.Ser452Ile (NM_001201397.2); short protein forms S362I, S452I.
Identifiers: ClinVar variation 2026511 (VCV002026511.4), dbSNP rs2501530193, ClinGen allele CA388451375.
Genomic context (GRCh38, chr13:77,900,521, plus strand): 5'-GATGGAAACACTTCTGAGTGGCATTTATTTACAAAACCATTTCTAGTTTGCCTTTCTTAC[C>A]TCAAAAGTTCACATCTATTGGGATCATTCTGATTATAAAGAGTGAGCTTCAGAATCCTGC-3'
Protein context (NP_001116131.1, residues 352-372): QNDPNRCELL[Ser362Ile]FLLVLDYIGI